The following is an entry in ClinVar:

ClinVar aggregate classification (germline): Uncertain significance. Review status: criteria provided, multiple submitters, no conflicts (2 of 4 stars). 3 submissions from 3 submitters: Uncertain significance (3). Last evaluated 2024-01-03.

Conditions:
Multiple endocrine neoplasia, type 2 (MEN2). Identifiers: Orphanet 653, MedGen C4048306, MONDO:0019003. Disease mechanism: gain of function.

Allele frequency attached by ClinVar (database versions not stated): gnomAD 0.00001.
gnomAD v4.1: 1 of 1,614,060 alleles (0.000062%); highest among the groups gnomAD compares: Non-Finnish European, 0.000085%; no homozygotes.

Submissions (3):

All of Us Research Program, National Institutes of Health
Classification: Uncertain significance for Multiple endocrine neoplasia, type 2. Last evaluated: 2024-01-03. Review status: criteria provided, single submitter. Criteria: ACMG Guidelines, 2015. Collection method: clinical testing. Allele origin: germline. Inheritance: Autosomal dominant inheritance. Observed: 1 variant allele, 1 heterozygote.
Comment: This missense variant replaces glutamine with arginine at codon 576 of the RET protein. Computational prediction suggests that this variant may not impact protein structure and function (internally defined REVEL score threshold <= 0.5, PMID: 27666373). To our knowledge, functional studies have not been reported for this variant. This variant has not been reported in individuals affected with RET-related disorders in the literature. This variant has been identified in 1/31378 chromosomes in the general population by the Genome Aggregation Database (gnomAD). The available evidence is insufficient to determine the role of this variant in disease conclusively. Therefore, this variant is classified as a Variant of Uncertain Significance.

This study involves interpretation of variants in research participants for the purpose of population health screening. Participant phenotype was not available at the time of variant classification. Additional details can be found in publication PMID: 35346344, PMCID: PMC8962531

Color Diagnostics, LLC DBA Color Health
Classification: Uncertain significance for Multiple endocrine neoplasia, type 2. Last evaluated: 2023-12-12. Review status: criteria provided, single submitter. Criteria: ACMG Guidelines, 2015. Collection method: clinical testing. Allele origin: germline.
Comment: This missense variant replaces glutamine with arginine at codon 576 of the RET protein. Computational prediction suggests that this variant may not impact protein structure and function. To our knowledge, functional studies have not been reported for this variant. This variant has not been reported in individuals affected with RET-related disorders in the literature. This variant has been identified in 1/31378 chromosomes in the general population by the Genome Aggregation Database (gnomAD). The available evidence is insufficient to determine the role of this variant in disease conclusively. Therefore, this variant is classified as a Variant of Uncertain Significance.

Labcorp Genetics (formerly Invitae), Labcorp
Classification: Uncertain significance for Multiple endocrine neoplasia, type 2. Last evaluated: 2020-08-23. Review status: criteria provided, single submitter. Criteria: Invitae Variant Classification Sherloc (09022015). Collection method: clinical testing. Allele origin: germline.
Comment: In summary, the available evidence is currently insufficient to determine the role of this variant in disease. Therefore, it has been classified as a Variant of Uncertain Significance. Algorithms developed to predict the effect of missense changes on protein structure and function output the following: SIFT: "Tolerated"; PolyPhen-2: "Benign"; Align-GVGD: "Class C0". The arginine amino acid residue is found in multiple mammalian species, suggesting that this missense change does not adversely affect protein function. These predictions have not been confirmed by published functional studies and their clinical significance is uncertain. This variant has not been reported in the literature in individuals with RET-related conditions. This variant is not present in population databases (ExAC no frequency). This sequence change replaces glutamine with arginine at codon 576 of the RET protein (p.Gln576Arg). The glutamine residue is weakly conserved and there is a small physicochemical difference between glutamine and arginine.

NM_020975.6(RET):c.1727A>G (p.Gln576Arg)

Gene: RET (ret proto-oncogene; plus strand). Cytogenetic location: 10q11.21.
Variant type: single nucleotide variant.
Coding change: c.1727A>G on transcript NM_020975.6 (MANE Select); coding-DNA position 1727, A replaced by G.
Protein change: p.Gln576Arg; replaces glutamine 576 with arginine.
Molecular consequence: missense variant.
Genome position (GRCh38, 1-based): chr10:43,112,931, A>G. VCF-style: chr10-43112931-A-G. GRCh37 (hg19) VCF-style: chr10-43608379-A-G.
Other names: c.1727A>G, p.Gln576Arg (NM_000323.2, NM_001406743.1, NM_001406744.1 and 6 more transcripts); c.965A>G, p.Gln322Arg (NM_001355216.2); c.1598A>G, p.Gln533Arg (NM_001406761.1, NM_001406762.1, NM_001406764.1 and 1 more transcripts); c.1439A>G, p.Gln480Arg (NM_001406766.1, NM_001406767.1, NM_001406770.1); c.1331A>G, p.Gln444Arg (NM_001406769.1, NM_001406772.1); c.1289A>G, p.Gln430Arg (NM_001406771.1, NM_001406773.1); c.1202A>G, p.Gln401Arg (NM_001406774.1); c.1001A>G, p.Gln334Arg (NM_001406775.1, NM_001406776.1, NM_001406777.1 and 1 more transcripts); and 5 more; short protein forms Q322R, Q576R, Q401R, Q480R, Q533R, Q234R, Q246R, Q277R.
Identifiers: ClinVar variation 999555 (VCV000999555.10), dbSNP rs1284377464, ClinGen allele CA376552063.